The following is an entry in ClinVar:

ClinVar aggregate classification (germline): other (0 of 4 stars; one submission).

Conditions:
Familial colorectal cancer. Identifiers: MedGen CN280943, MONDO:0023113. Disease mechanism: loss of function.

Submission:

Systems Biology Platform Zhejiang California International NanoSystems Institute
Classification: other for Familial colorectal cancer. Review status: no assertion criteria provided. Collection method: not provided. Allele origin: unknown.
ClinVar note: Converted during submission from cancer to other.

NM_000038.6(APC):c.1409-1869T>C

Gene: APC (APC regulator of WNT signaling pathway; plus strand). Cytogenetic location: 5q22.2.
Variant type: single nucleotide variant.
Coding change: c.1409-1869T>C on transcript NM_000038.6 (MANE Select); 1869 bases into the intron before coding-DNA position 1409, T replaced by C.
Molecular consequence: intron variant.
Genome position (GRCh38, 1-based): chr5:112,825,239, T>C. VCF-style: chr5-112825239-T-C. GRCh37 (hg19) VCF-style: chr5-112160936-T-C.
Other names: c.1409-1869T>C (NM_001354895.2, NM_001127510.3); c.1439-1869T>C (NM_001354897.2); c.1136-1869T>C (NM_001354902.2); c.1355-1869T>C (NM_001127511.3); c.1334-1869T>C (NM_001354898.2); c.1031-1869T>C (NM_001354904.2); c.560-1869T>C (NM_001354906.2); c.1463-1869T>C (NM_001354896.2); and 5 more.
Identifiers: ClinVar variation 83148 (VCV000083148.2), dbSNP rs79032423, ClinGen allele CA005024.
Genomic context (GRCh38, chr5:112,825,239, plus strand): 5'-GCAACTGACTGCTTTAATTCTGCTACTTAAAAGTATCTTATGTCATCACTCTTCTCTTCA[T>C]CCCCAGTCCAAGCCACCATCGTCTCTCCTGTTCTACAATACTTTGTCTTACTTCTCTTCC-3'